The following is an entry in ClinVar:

NM_017649.5(CNNM2):c.*311G>A

Gene: CNNM2 (cyclin and CBS domain divalent metal cation transport mediator 2; plus strand). Cytogenetic location: 10q24.32.
Variant type: single nucleotide variant.
Coding change: c.*311G>A on transcript NM_017649.5 (MANE Select); 311 bases downstream of the stop codon, G replaced by A.
Molecular consequence: 3 prime UTR variant.
Genome position (GRCh38, 1-based): chr10:103,077,491, G>A. VCF-style: chr10-103077491-G-A. GRCh37 (hg19) VCF-style: chr10-104837248-G-A.
Other names: c.*311G>A (NM_199076.3).
Identifiers: ClinVar variation 298655 (VCV000298655.7), dbSNP rs376027544, ClinGen allele CA10634482.

ClinVar aggregate classification (germline): Benign. Review status: criteria provided, multiple submitters, no conflicts (2 of 4 stars). 3 submissions from 3 submitters: Benign (3). Last evaluated 2026-05-18.

Conditions:
Renal hypomagnesemia 6. Identifiers: Orphanet 34527, MedGen C3151295, MONDO:0013480, OMIM 613882.

Allele frequency attached by ClinVar (database versions not stated): gnomAD 0.00023 and 0.00129; TOPMed 0.00046; gnomAD exomes 0.00194; 1000 Genomes Project 0.00839; 1000 Genomes Project 30x 0.00859.
gnomAD v4.1: 529 of 328,662 alleles (0.16%); highest among the groups gnomAD compares: South Asian, 2.9%; 14 homozygotes.

Submissions (3):

Revvity Omics, Revvity
Classification: Benign. Last evaluated: 2026-05-18. Review status: criteria provided, single submitter. Criteria: ACMG Guidelines, 2015. Collection method: clinical testing. Allele origin: germline.

Illumina Laboratory Services, Illumina
Classification: Benign for Renal hypomagnesemia 6. Last evaluated: 2018-01-13. Review status: criteria provided, single submitter. Criteria: ICSL Variant Classification Criteria 13 December 2019. Collection method: clinical testing. Allele origin: germline.
Comment: This variant was observed in the ICSL laboratory as part of a predisposition screen in an ostensibly healthy population. It had not been previously curated by ICSL or reported in the Human Gene Mutation Database (HGMD: prior to June 1st, 2018), and was therefore a candidate for classification through an automated scoring system. Utilizing variant allele frequency, disease prevalence and penetrance estimates, and inheritance mode, an automated score was calculated to assess if this variant is too frequent to cause the disease. Based on the score and internal cut-off values, a variant classified as benign is not then subjected to further curation. The score for this variant resulted in a classification of benign for this disease.

Breakthrough Genomics
Classification: Benign. Review status: criteria provided, single submitter. Criteria: ACMG Guidelines, 2015. Collection method: not provided. Allele origin: germline. Inheritance: Autosomal dominant inheritance. Affected: yes.